The following is an entry in ClinVar:

NM_017534.6(MYH2):c.4866G>T (p.Lys1622Asn)

Genes: MYH2 (myosin heavy chain 2; minus strand), MYHAS (myosin heavy chain gene cluster antisense RNA; plus strand), LOC126862500 (BRD4-independent group 4 enhancer GRCh37_chr17:10427829-10429028; plus strand). Cytogenetic location: 17p13.1.
Variant type: single nucleotide variant.
Coding change: c.4866G>T on transcript NM_017534.6 (MANE Select); coding-DNA position 4866, G replaced by T.
Protein change: p.Lys1622Asn; replaces lysine 1622 with asparagine.
Molecular consequence: missense variant.
Genome position (GRCh38, 1-based): chr17:10,524,862, C>A on the plus strand (G>T on the coding strand, the complement: MYH2 is on the minus strand). VCF-style: chr17-10524862-C-A. GRCh37 (hg19) VCF-style: chr17-10428179-C-A.
Other names: c.4866G>T, p.Lys1622Asn (NM_001100112.2); short protein forms K1622N.
Identifiers: ClinVar variation 4739374 (VCV004739374.1).
Genomic context (GRCh38, chr17:10,524,862, plus strand): 5'-AGCCATGCGGTTGGCATGGTTCAGCTGGATTTCCATTTCATTGAGGTCTCCCTCCATCTT[C>A]TTCTTGAGCCTAATGGCATCATTCCTACTCCTGATCTCAGCATCCAGCGTGCTCTGCATG-3'
Protein context (NP_060004.3, residues 1612-1632): RSRNDAIRLK[Lys1622Asn]KMEGDLNEME

ClinVar aggregate classification (germline): Uncertain significance (1 of 4 stars; one submission).

Conditions:
Myopathy, proximal, and ophthalmoplegia (CMYO6). Also called: INCLUSION BODY MYOPATHY 3, AUTOSOMAL DOMINANT; CONGENITAL MYOPATHY 6 WITH OPHTHALMOPLEGIA; MYOPATHY WITH CONGENITAL JOINT CONTRACTURES, OPHTHALMOPLEGIA, AND RIMMED VACUOLES. Identifiers: Orphanet 363677, Orphanet 79091, MedGen C1854106, MONDO:0011577, OMIM 605637.

Submission:

Labcorp Genetics (formerly Invitae), Labcorp
Classification: Uncertain significance for Myopathy, proximal, and ophthalmoplegia. Last evaluated: 2025-09-15. Review status: criteria provided, single submitter. Criteria: Invitae Variant Classification Sherloc (09022015). Collection method: clinical testing. Allele origin: germline.
Comment: This sequence change replaces lysine, which is basic and polar, with asparagine, which is neutral and polar, at codon 1622 of the MYH2 protein (p.Lys1622Asn). This variant is not present in population databases (gnomAD no frequency). This variant has not been reported in the literature in individuals affected with MYH2-related conditions. Invitae Evidence Modeling of protein sequence and biophysical properties (such as structural, functional, and spatial information, amino acid conservation, physicochemical variation, residue mobility, and thermodynamic stability) has been performed for this missense variant. However, the output from this modeling did not meet the statistical confidence thresholds required to predict the impact of this variant on MYH2 protein function. In summary, the available evidence is currently insufficient to determine the role of this variant in disease. Therefore, it has been classified as a Variant of Uncertain Significance.